The following is an entry in ClinVar:

NM_006416.5(SLC35A1):c.678C>T (p.Tyr226=)

Gene: SLC35A1 (solute carrier family 35 member A1; plus strand). Cytogenetic location: 6q15.
Variant type: single nucleotide variant.
Coding change: c.678C>T on transcript NM_006416.5 (MANE Select); coding-DNA position 678, C replaced by T.
Protein change: p.Tyr226=; no amino-acid change (tyrosine 226 retained).
Molecular consequence: synonymous variant. On other transcripts: intron variant (1).
Genome position (GRCh38, 1-based): chr6:87,508,523, C>T. VCF-style: chr6-87508523-C-T. GRCh37 (hg19) VCF-style: chr6-88218241-C-T.
Other names: c.575-518C>T (NM_001168398.2).
Identifiers: ClinVar variation 506838 (VCV000506838.1), dbSNP rs922502109, ClinGen allele CA142837651.

ClinVar aggregate classification (germline): Likely benign (1 of 4 stars; one submission).

Allele frequency attached by ClinVar (database versions not stated): gnomAD exomes below 0.00001; gnomAD 0.00001.
gnomAD v4.1: 5 of 1,612,908 alleles (0.00031%); highest among the groups gnomAD compares: Non-Finnish European, 0.00042%; no homozygotes.

Submission:

GeneDx
Classification: Likely benign. Last evaluated: 2017-01-26. Review status: criteria provided, single submitter. Criteria: GeneDx Variant Classification (06012015). Collection method: clinical testing. Allele origin: germline. Affected: yes.
Comment: This variant is considered likely benign or benign based on one or more of the following criteria: it is a conservative change, it occurs at a poorly conserved position in the protein, it is predicted to be benign by multiple in silico algorithms, and/or has population frequency not consistent with disease.